The following is an entry in ClinVar:

ClinVar aggregate classification (germline): Uncertain significance (1 of 4 stars; one submission).

Allele frequency attached by ClinVar (database versions not stated): gnomAD exomes below 0.00001.
gnomAD v4.1: 1 of 1,614,196 alleles (0.000062%); highest among the groups gnomAD compares: Non-Finnish European, 0.000085%; no homozygotes.

Submission:

GeneDx
Classification: Uncertain significance. Last evaluated: 2023-03-24. Review status: criteria provided, single submitter. Criteria: GeneDx Variant Classification Process June 2021. Collection method: clinical testing. Allele origin: germline. Affected: yes.
Comment: Not observed at significant frequency in large population cohorts (gnomAD); In silico analysis supports that this missense variant does not alter protein structure/function; Has not been previously published as pathogenic or benign to our knowledge

NM_014991.6(WDFY3):c.9974A>C (p.Asp3325Ala)

Gene: WDFY3 (WD repeat and FYVE domain containing 3; minus strand). Cytogenetic location: 4q21.23.
Variant type: single nucleotide variant.
Coding change: c.9974A>C on transcript NM_014991.6 (MANE Select); coding-DNA position 9974, A replaced by C.
Protein change: p.Asp3325Ala; replaces aspartic acid 3325 with alanine.
Molecular consequence: missense variant.
Genome position (GRCh38, 1-based): chr4:84,679,092, T>G on the plus strand (A>C on the coding strand, the complement: WDFY3 is on the minus strand). VCF-style: chr4-84679092-T-G. GRCh37 (hg19) VCF-style: chr4-85600245-T-G.
Other names: short protein forms D3325A.
Identifiers: ClinVar variation 2580736 (VCV002580736.1), dbSNP rs1726870825, ClinGen allele CA357266618.